The following is an entry in ClinVar:

NM_000387.6(SLC25A20):c.47C>T (p.Ala16Val)

Gene: SLC25A20 (solute carrier family 25 member 20; minus strand). Cytogenetic location: 3p21.31.
Variant type: single nucleotide variant.
Coding change: c.47C>T on transcript NM_000387.6 (MANE Select); coding-DNA position 47, C replaced by T.
Protein change: p.Ala16Val; replaces alanine 16 with valine.
Molecular consequence: missense variant.
Genome position (GRCh38, 1-based): chr3:48,898,748, G>A on the plus strand (C>T on the coding strand, the complement: SLC25A20 is on the minus strand). VCF-style: chr3-48898748-G-A. GRCh37 (hg19) VCF-style: chr3-48936181-G-A.
Other names: short protein forms A16V.
Identifiers: ClinVar variation 900049 (VCV000900049.5), dbSNP rs2083928547, ClinGen allele CA352639318.
Genomic context (GRCh38, chr3:48,898,748, plus strand): 5'-ACCTTGACCGTGTCCAGAGGGTGACCGACGAACACCAGGCACACGCCGCCAAAGCCGCCG[G>A]CCAGCAGGTTCTTGAGCGGGCTGATGGGTTTTGGCTGGTCGGCCATGGTCAGTCCGTCTG-3'
Protein context (NP_000378.1, residues 6-26): KPISPLKNLL[Ala16Val]GGFGGVCLVF

ClinVar aggregate classification (germline): Uncertain significance. Review status: criteria provided, multiple submitters, no conflicts (2 of 4 stars). 2 submissions from 2 submitters: Uncertain significance (2). Last evaluated 2023-08-17.

Conditions:
Carnitine acylcarnitine translocase deficiency (CACTD). Identifiers: Orphanet 159, MedGen C0342791, MONDO:0008918, OMIM 212138.

Submissions (2):

Women's Health and Genetics/Laboratory Corporation of America, LabCorp
Classification: Uncertain significance. Last evaluated: 2023-08-17. Review status: criteria provided, single submitter. Criteria: LabCorp Variant Classification Summary - May 2015. Collection method: clinical testing. Allele origin: germline.
Comment: Variant summary: SLC25A20 c.47C>T (p.Ala16Val) results in a non-conservative amino acid change in the encoded protein sequence. Five of five in-silico tools predict a damaging effect of the variant on protein function. The variant was absent in 235806 control chromosomes (gnomAD). The available data on variant occurrences in the general population are insufficient to allow any conclusion about variant significance. c.47C>T has been reported in the literature in at least one compound heterozygous individual affected with carnitineacylcarnitine translocase deficiency, presenting with low gammaglutamyltransferase cholestasis but without metabolic crisis (e.g., Permall_2020). These data do not allow any conclusion about variant significance. To our knowledge, no experimental evidence demonstrating an impact on protein function has been reported. The following publication was ascertained in the context of this evaluation (PMID: 31561269). One submitter has reported clinical-significance assessments for this variant to ClinVar after 2014 and has classified the variant as uncertain significance. Based on the evidence outlined above, the variant was classified as uncertain significance.

Illumina Laboratory Services, Illumina
Classification: Uncertain significance for Carnitine acylcarnitine translocase deficiency. Last evaluated: 2018-01-13. Review status: criteria provided, single submitter. Criteria: ICSL Variant Classification Criteria 13 December 2019. Collection method: clinical testing. Allele origin: germline.

Literature cited by the submitters: PubMed 31561269 (cited by Women's Health and Genetics/Laboratory Corporation of America, LabCorp).